The following is an entry in ClinVar:

ClinVar aggregate classification (germline): Likely pathogenic (1 of 4 stars; one submission).

Conditions:
Mitochondrial hypertrophic cardiomyopathy with lactic acidosis due to MTO1 deficiency. Also called: CARDIOMYOPATHY, INFANTILE HYPERTROPHIC MITOCHONDRIAL, AND LACTIC ACIDOSIS; Combined oxidative phosphorylation deficiency 10. Identifiers: Orphanet 314637, MedGen C4749921, MONDO:0013865, OMIM 614702.

Allele frequency attached by ClinVar (database versions not stated): gnomAD exomes below 0.00001.
gnomAD v4.1: 1 of 1,608,628 alleles (0.000062%); highest among the groups gnomAD compares: East Asian, 0.0022%; no homozygotes.

Submission:

Labcorp Genetics (formerly Invitae), Labcorp
Classification: Likely pathogenic for Mitochondrial hypertrophic cardiomyopathy with lactic acidosis due to MTO1 deficiency. Last evaluated: 2023-08-11. Review status: criteria provided, single submitter. Criteria: Invitae Variant Classification Sherloc (09022015). Collection method: clinical testing. Allele origin: germline.
Comment: In summary, the currently available evidence indicates that the variant is pathogenic, but additional data are needed to prove that conclusively. Therefore, this variant has been classified as Likely Pathogenic. Algorithms developed to predict the effect of sequence changes on RNA splicing suggest that this variant may disrupt the consensus splice site. This variant has not been reported in the literature in individuals affected with MTO1-related conditions. This variant is not present in population databases (gnomAD no frequency). This sequence change affects a donor splice site in intron 3 of the MTO1 gene. It is expected to disrupt RNA splicing. Variants that disrupt the donor or acceptor splice site typically lead to a loss of protein function (PMID: 16199547), and loss-of-function variants in MTO1 are known to be pathogenic (PMID: 22608499, 25058219).

Literature cited by the submitters: PubMed 16199547; PubMed 22608499; PubMed 25058219.

NM_012123.4(MTO1):c.535+1G>A

Gene: MTO1 (mitochondrial tRNA translation optimization 1; plus strand). Cytogenetic location: 6q13.
Variant type: single nucleotide variant.
Coding change: c.535+1G>A on transcript NM_012123.4 (MANE Select); the canonical splice donor site of the intron after coding-DNA position 535, G replaced by A.
Molecular consequence: splice donor variant.
Genome position (GRCh38, 1-based): chr6:73,466,607, G>A. VCF-style: chr6-73466607-G-A. GRCh37 (hg19) VCF-style: chr6-74176330-G-A.
Other names: c.535+1G>A (NM_133645.3, NM_001123226.2).
Identifiers: ClinVar variation 2839730 (VCV002839730.3), dbSNP rs2533246626, ClinGen allele CA364713152.